The following is an entry in ClinVar:

ClinVar aggregate classification (germline): Uncertain significance (1 of 4 stars; one submission).

Submission:

GeneDx
Classification: Uncertain significance. Last evaluated: 2023-04-18. Review status: criteria provided, single submitter. Criteria: GeneDx Variant Classification Process June 2021. Collection method: clinical testing. Allele origin: germline. Affected: yes.
Comment: Not observed at significant frequency in large population cohorts (gnomAD); In-frame deletion of 2 and insertion of 1 amino acids in a non-repeat region; In silico analysis supports that this variant does not alter protein structure/function; Has not been previously published as pathogenic or benign to our knowledge

NM_133433.4(NIPBL):c.4852_4855delinsT (p.Ala1618_Arg1619delinsTrp)

Gene: NIPBL (NIPBL cohesin loading factor; plus strand). Cytogenetic location: 5p13.2.
Variant type: Indel.
Coding change: c.4852_4855delinsT on transcript NM_133433.4 (MANE Select); coding-DNA positions 4852 to 4855, GCAC replaced by T.
Protein change: p.Ala1618_Arg1619delinsTrp.
Molecular consequence: inframe indel.
Genome position (GRCh38, 1-based): chr5:37,017,094-37,017,097, GCAC replaced by T. VCF-style: chr5-37017094-GCAC-T. GRCh37 (hg19) VCF-style: chr5-37017196-GCAC-T.
Other names: c.4852_4855delinsT, p.Ala1618_Arg1619delinsTrp (NM_015384.5).
Identifiers: ClinVar variation 2662630 (VCV002662630.1), dbSNP rs2478279984, ClinGen allele CA2695198601.
Genomic context (GRCh38, chr5:37,017,094, plus strand): 5'-AACAAGTCAACAGAGATGGCTTTAAGAGTGGCATCTCTTGATTACCTTGGAACTGTTGCT[GCAC>T]GGCTAAGAAAAGATGCTGTTACAAGCAAAATGGATCAAGGATCTATAGAACGCATTTTAA-3'